The following is an entry in ClinVar:

ClinVar aggregate classification (germline): Uncertain significance. Review status: criteria provided, multiple submitters, no conflicts (2 of 4 stars). 2 submissions from 2 submitters: Uncertain significance (2). Last evaluated 2024-11-14.

Allele frequency attached by ClinVar (database versions not stated): gnomAD 0.00001; gnomAD exomes 0.00003; TOPMed 0.00003.
gnomAD v4.1: 45 of 1,559,072 alleles (0.0029%); highest among the groups gnomAD compares: African/African-American, 0.0041%; no homozygotes.

Submissions (2):

Ambry Genetics
Classification: Uncertain significance. Last evaluated: 2024-11-14. Review status: criteria provided, single submitter. Criteria: Ambry Variant Classification Scheme 2023. Collection method: clinical testing. Allele origin: germline.

Labcorp Genetics (formerly Invitae), Labcorp
Classification: Uncertain significance. Last evaluated: 2022-08-16. Review status: criteria provided, single submitter. Criteria: Invitae Variant Classification Sherloc (09022015). Collection method: clinical testing. Allele origin: germline.
Comment: In summary, the available evidence is currently insufficient to determine the role of this variant in disease. Therefore, it has been classified as a Variant of Uncertain Significance. Algorithms developed to predict the effect of missense changes on protein structure and function (SIFT, PolyPhen-2, Align-GVGD) all suggest that this variant is likely to be tolerated. ClinVar contains an entry for this variant (Variation ID: 1406463). This variant has not been reported in the literature in individuals affected with FCHO1-related conditions. The frequency data for this variant in the population databases is considered unreliable, as metrics indicate poor data quality at this position in the gnomAD database. This sequence change replaces glycine, which is neutral and non-polar, with arginine, which is basic and polar, at codon 541 of the FCHO1 protein (p.Gly541Arg).

NM_015122.3(FCHO1):c.1621G>A (p.Gly541Arg)

Gene: FCHO1 (FCH and mu domain containing endocytic adaptor 1; plus strand). Cytogenetic location: 19p13.11.
Variant type: single nucleotide variant.
Coding change: c.1621G>A on transcript NM_015122.3 (MANE Select); coding-DNA position 1621, G replaced by A.
Protein change: p.Gly541Arg; replaces glycine 541 with arginine.
Molecular consequence: missense variant. On other transcripts: non-coding transcript variant (14), intron variant (11).
Genome position (GRCh38, 1-based): chr19:17,778,878, G>A. VCF-style: chr19-17778878-G-A. GRCh37 (hg19) VCF-style: chr19-17889687-G-A.
Other names: c.1621G>A, p.Gly541Arg (NM_001161357.2, NM_001161358.2, NM_001384370.1 and 13 more transcripts); c.1471G>A, p.Gly491Arg (NM_001161359.2, NM_001384384.1, NM_001384385.1 and 1 more transcripts); c.1582G>A, p.Gly528Arg (NM_001384388.1, NM_001384389.1, NM_001384405.1); c.1546G>A, p.Gly516Arg (NM_001384390.1); c.1504G>A, p.Gly502Arg (NM_001384392.1, NM_001384393.1, NM_001384394.1 and 1 more transcripts); c.1351+650G>A (NM_001384396.1, NM_001384404.1, NM_001384398.1 and 5 more transcripts); c.1201+650G>A (NM_001384406.1); c.1058-2353G>A (NM_001384407.1); and 2 more; short protein forms G528R, G502R, G516R, G541R, G491R.
Identifiers: ClinVar variation 1406463 (VCV001406463.6), dbSNP rs996781494, ClinGen allele CA306117185.